The following is an entry in ClinVar:

ClinVar aggregate classification (germline): Likely benign (1 of 4 stars; one submission).

Submission:

GeneDx
Classification: Likely benign. Last evaluated: 2017-01-23. Review status: criteria provided, single submitter. Criteria: GeneDx Variant Classification (06012015). Collection method: clinical testing. Allele origin: germline. Affected: yes.
Comment: This variant is considered likely benign or benign based on one or more of the following criteria: it is a conservative change, it occurs at a poorly conserved position in the protein, it is predicted to be benign by multiple in silico algorithms, and/or has population frequency not consistent with disease.

NM_001378120.1(MBD5):c.-660A>C

Gene: MBD5 (methyl-CpG binding domain protein 5; plus strand). Cytogenetic location: 2q23.1.
Variant type: single nucleotide variant.
Coding change: c.-660A>C on transcript NM_001378120.1 (MANE Select); 660 bases upstream of the start codon, A replaced by C.
Molecular consequence: 5 prime UTR variant.
Genome position (GRCh38, 1-based): chr2:148,342,233, A>C. VCF-style: chr2-148342233-A-C. GRCh37 (hg19) VCF-style: chr2-149099802-A-C.
Other names: c.-660A>C (NM_018328.5).
Identifiers: ClinVar variation 507022 (VCV000507022.1), dbSNP rs888498386, ClinGen allele CA58226060.